The following is an entry in ClinVar:

ClinVar aggregate classification (germline): Uncertain significance. Review status: criteria provided, multiple submitters, no conflicts (2 of 4 stars). 3 submissions from 3 submitters: Uncertain significance (3). Last evaluated 2026-09-01.

Conditions:
Inborn genetic diseases. Identifiers: MedGen C0950123, MeSH D030342.
Cryptosporidiosis-chronic cholangitis-liver disease syndrome. Also called: Immunodeficiency type 56; IL21R immunodeficiency. Identifiers: Orphanet 357329, MedGen C3554687, MONDO:0014082, OMIM 615207.

Allele frequency attached by ClinVar (database versions not stated): gnomAD exomes below 0.00001; TOPMed below 0.00001.
gnomAD v4.1: 5 of 1,596,474 alleles (0.00031%); highest among the groups gnomAD compares: South Asian, 0.0034%; no homozygotes.

Submissions (3):

CeGaT Center for Human Genetics Tuebingen
Classification: Uncertain significance. Last evaluated: 2026-09-01. Review status: criteria provided, single submitter. Criteria: CeGaT Center For Human Genetics Tuebingen Variant Classification Criteria Version 2. Collection method: clinical testing. Allele origin: germline. Affected: yes. Observed: 1 variant allele.
Comment: IL21R: PM2

Ambry Genetics
Classification: Uncertain significance for Inborn genetic diseases. Last evaluated: 2025-10-22. Review status: criteria provided, single submitter. Criteria: Ambry Variant Classification Scheme 2023. Collection method: clinical testing. Allele origin: germline.

Labcorp Genetics (formerly Invitae), Labcorp
Classification: Uncertain significance for Cryptosporidiosis-chronic cholangitis-liver disease syndrome. Last evaluated: 2024-04-30. Review status: criteria provided, single submitter. Criteria: Invitae Variant Classification Sherloc (09022015). Collection method: clinical testing. Allele origin: germline.
Comment: This sequence change replaces glutamine, which is neutral and polar, with arginine, which is basic and polar, at codon 536 of the IL21R protein (p.Gln536Arg). This variant is not present in population databases (gnomAD no frequency). This variant has not been reported in the literature in individuals affected with IL21R-related conditions. An algorithm developed to predict the effect of missense changes on protein structure and function (PolyPhen-2) suggests that this variant is likely to be disruptive. In summary, the available evidence is currently insufficient to determine the role of this variant in disease. Therefore, it has been classified as a Variant of Uncertain Significance.

NM_181078.3(IL21R):c.1607A>G (p.Gln536Arg)

Genes: IL21R-AS1 (IL21R antisense RNA 1; minus strand), IL21R (interleukin 21 receptor; plus strand). Cytogenetic location: 16p12.1.
Variant type: single nucleotide variant.
Coding change: c.1607A>G on transcript NM_181078.3 (MANE Select); coding-DNA position 1607, A replaced by G.
Protein change: p.Gln536Arg; replaces glutamine 536 with arginine.
Molecular consequence: missense variant. On other transcripts: non-coding transcript variant (1).
Genome position (GRCh38, 1-based): chr16:27,449,273, A>G. VCF-style: chr16-27449273-A-G. GRCh37 (hg19) VCF-style: chr16-27460594-A-G.
Other names: c.1673A>G (NM_181079.4); c.1607A>G, p.Gln536Arg (NM_021798.4); c.1673A>G, p.Gln558Arg (NM_181079.5); short protein forms Q536R, Q558R.
Identifiers: ClinVar variation 2965354 (VCV002965354.5), dbSNP rs2087547912, ClinGen allele CA395309280.